The following is an entry in ClinVar:

NM_005654.6(NR2F1):c.218G>A (p.Gly73Asp)

Genes: NR2F1 (nuclear receptor subfamily 2 group F member 1; plus strand), NR2F1-AS1 (NR2F1 antisense RNA 1; minus strand). Cytogenetic location: 5q15.
Variant type: single nucleotide variant.
Coding change: c.218G>A on transcript NM_005654.6 (MANE Select); coding-DNA position 218, G replaced by A.
Protein change: p.Gly73Asp; replaces glycine 73 with aspartic acid.
Molecular consequence: missense variant.
Genome position (GRCh38, 1-based): chr5:93,585,241, G>A. VCF-style: chr5-93585241-G-A. GRCh37 (hg19) VCF-style: chr5-92920947-G-A.
Other names: short protein forms G73D.
Identifiers: ClinVar variation 1303527 (VCV001303527.2), dbSNP rs2149941532, ClinGen allele CA360525777.

ClinVar aggregate classification (germline): Uncertain significance (1 of 4 stars; one submission).

Submission:

GeneDx
Classification: Uncertain significance. Last evaluated: 2019-09-20. Review status: criteria provided, single submitter. Criteria: GeneDx Variant Classification Process June 2021. Collection method: clinical testing. Allele origin: germline. Affected: yes.
Comment: Not observed in large population cohorts (Lek et al., 2016); In silico analysis, which includes protein predictors and evolutionary conservation, supports that this variant does not alter protein structure/function; Has not been previously published as pathogenic or benign to our knowledge